The following is an entry in ClinVar:

NM_005654.6(NR2F1):c.394C>T (p.Gln132Ter)

Genes: NR2F1 (nuclear receptor subfamily 2 group F member 1; plus strand), NR2F1-AS1 (NR2F1 regulatory antisense RNA 1; minus strand). Cytogenetic location: 5q15.
Variant type: single nucleotide variant.
Coding change: c.394C>T on transcript NM_005654.6 (MANE Select); coding-DNA position 394, C replaced by T.
Protein change: p.Gln132Ter; replaces glutamine 132 with a stop codon.
Molecular consequence: nonsense. On other transcripts: non-coding transcript variant (8).
Genome position (GRCh38, 1-based): chr5:93,585,417, C>T. VCF-style: chr5-93585417-C-T. GRCh37 (hg19) VCF-style: chr5-92921123-C-T.
Other names: short protein forms Q132*.
Identifiers: ClinVar variation 4074707 (VCV004074707.1).
Genomic context (GRCh38, chr5:93,585,417, plus strand): 5'-AGGAGCGTCCGCAGGAACTTAACTTACACATGCCGTGCCAACAGGAACTGTCCCATCGAC[C>T]AGCACCACCGCAACCAGTGCCAATACTGCCGCCTCAAGAAGTGCCTCAAAGTGGGCATGA-3'

ClinVar aggregate classification (germline): Pathogenic (1 of 4 stars; one submission).

Submission:

GeneDx
Classification: Pathogenic. Last evaluated: 2025-02-07. Review status: criteria provided, single submitter. Criteria: GeneDx Variant Classification Process June 2021. Collection method: clinical testing. Allele origin: germline. Affected: yes.
Comment: Nonsense variant predicted to result in protein truncation or nonsense mediated decay in a gene for which loss of function is a known mechanism of disease; Not observed at significant frequency in large population cohorts (gnomAD); Has not been previously published as pathogenic or benign to our knowledge